The following is an entry in ClinVar:

ClinVar aggregate classification (germline): Uncertain significance. Review status: criteria provided, multiple submitters, no conflicts (2 of 4 stars). 2 submissions from 2 submitters: Uncertain significance (2). Last evaluated 2024-10-14.

Conditions:
Inborn genetic diseases. Identifiers: MedGen C0950123, MeSH D030342.

Submissions (2):

Labcorp Genetics (formerly Invitae), Labcorp
Classification: Uncertain significance. Last evaluated: 2024-10-14. Review status: criteria provided, single submitter. Criteria: Invitae Variant Classification Sherloc (09022015). Collection method: clinical testing. Allele origin: germline.
Comment: This sequence change replaces leucine, which is neutral and non-polar, with valine, which is neutral and non-polar, at codon 265 of the NKX6-2 protein (p.Leu265Val). This variant is not present in population databases (gnomAD no frequency). This variant has not been reported in the literature in individuals affected with NKX6-2-related conditions. ClinVar contains an entry for this variant (Variation ID: 1464869). An algorithm developed to predict the effect of missense changes on protein structure and function (PolyPhen-2) suggests that this variant is likely to be tolerated. In summary, the available evidence is currently insufficient to determine the role of this variant in disease. Therefore, it has been classified as a Variant of Uncertain Significance.

Ambry Genetics
Classification: Uncertain significance for Inborn genetic diseases. Last evaluated: 2023-01-24. Review status: criteria provided, single submitter. Criteria: Ambry Variant Classification Scheme 2023. Collection method: clinical testing. Allele origin: germline.

NM_177400.3(NKX6-2):c.793C>G (p.Leu265Val)

Gene: NKX6-2 (NK6 homeobox 2; minus strand). Cytogenetic location: 10q26.3.
Variant type: single nucleotide variant.
Coding change: c.793C>G on transcript NM_177400.3 (MANE Select); coding-DNA position 793, C replaced by G.
Protein change: p.Leu265Val; replaces leucine 265 with valine.
Molecular consequence: missense variant.
Genome position (GRCh38, 1-based): chr10:132,784,957, G>C on the plus strand (C>G on the coding strand, the complement: NKX6-2 is on the minus strand). VCF-style: chr10-132784957-G-C. GRCh37 (hg19) VCF-style: chr10-134598461-G-C.
Other names: c.793C>G (NM_177400.2); short protein forms L265V.
Identifiers: ClinVar variation 1464869 (VCV001464869.8), dbSNP rs1847231887, ClinGen allele CA378768297.